The following is an entry in ClinVar:

ClinVar aggregate classification (germline): Pathogenic (1 of 4 stars; one submission).

Conditions:
Fanconi anemia complementation group O. Also called: RAD51C-Related Fanconi Anemia. Identifiers: Orphanet 84, MedGen C3150653, MONDO:0013248, OMIM 613390.

Submission:

Labcorp Genetics (formerly Invitae), Labcorp
Classification: Pathogenic for Fanconi anemia complementation group O. Last evaluated: 2015-08-02. Review status: criteria provided, single submitter. Criteria: Invitae Variant Classification Sherloc (09022015). Collection method: clinical testing. Allele origin: germline.
Comment: For these reasons, this variant has been classified as Pathogenic. While no subgenic deletions of exons 1-5 in RAD51C have been reported in the literature, experimental studies have shown that this region contains sequence elements that are crucial for RAD51C protein function (PMID: 12966089, 14704354, 15126333). Also, a deletion of 27 nucleotides that affects the first 5 codons of RAD51C (c.-13_14del27) has been reported in a family affected with breast/ovarian cancer and leukemia (PMID: 21750962), probably reflecting the deleterious effect that the loss of the natural initiator methionine has on RAD51C translation. This sequence change is a gross deletion of the genomic region encompassing exons 1-5 of the RAD51C gene. This deletion extends to both edges of the assayed region, and the 5' and 3' boundaries of this event are not known. However, it is expected to result in the loss of 74% of the RAD51C protein (p.Met1_Ala279del), including the initiator methionine.

Literature cited by the submitters: PubMed 12966089; PubMed 14704354; PubMed 15126333; PubMed 21750962.

NC_000017.11:g.(?_58692634)_(58710000_?)del

Genes: RAD51C (RAD51 paralog C; plus strand), LOC130061311 (ATAC-STARR-seq lymphoblastoid active region 12492; plus strand), LOC129390903 (MPRA-validated peak2919 silencer; plus strand), LOC130061310 (ATAC-STARR-seq lymphoblastoid active region 12491; plus strand). Cytogenetic location: 17q22.
Variant type: Deletion.
Identifiers: ClinVar variation 651825 (VCV000651825.3).